The following is an entry in ClinVar:

ClinVar aggregate classification (germline): Pathogenic/Likely pathogenic. Review status: criteria provided, multiple submitters, no conflicts (2 of 4 stars). 2 submissions from 2 submitters: Pathogenic (1); Likely pathogenic (1). Last evaluated 2026-09-23.

Conditions:
PKD1-related disorder. Also called: PKD1-related condition.

Submissions (2):

PreventionGenetics, part of Exact Sciences
Classification: Pathogenic for PKD1-related condition. Last evaluated: 2026-09-23. Review status: criteria provided, single submitter. Criteria: ACMG Guidelines, 2015. Collection method: clinical testing. Allele origin: germline.
Comment: The PKD1 c.5245delG variant is predicted to result in a frameshift and premature protein termination (p.Val1749Tyrfs*10). To our knowledge, this variant has not been reported in the literature or in a large population database (gnomAD), indicating this variant is rare. Frameshift variants in PKD1 are expected to be pathogenic. This variant is interpreted as pathogenic.

Athena Diagnostics
Classification: Likely pathogenic. Last evaluated: 2017-02-16. Review status: criteria provided, single submitter. Criteria: Athena Diagnostics Criteria. Collection method: clinical testing. Allele origin: germline.

NM_001009944.3(PKD1):c.5245del (p.Val1749fs)

Gene: PKD1 (polycystin 1, transient receptor potential channel interacting; minus strand). Cytogenetic location: 16p13.3.
Variant type: Deletion.
Coding change: c.5245del on transcript NM_001009944.3 (MANE Select); coding-DNA position 5245, one base deleted (G; older notation c.5245delG).
Protein change: p.Val1749fs; shifts the reading frame from valine 1749.
Molecular consequence: frameshift variant.
Genome position (GRCh38, 1-based): chr16:2,109,922, C deleted on the plus strand (G on the coding strand, the reverse complement: PKD1 is on the minus strand). VCF-style (leftmost placement, unchanged base first): chr16-2109921-AC-A. GRCh37 (hg19) VCF-style: chr16-2159922-AC-A.
Other names: c.5245delG (NM_001009944.2); c.5245del, p.Val1749fs (NM_000296.4); short protein forms V1749fs.
Identifiers: ClinVar variation 447987 (VCV000447987.2), dbSNP rs1555455279, ClinGen allele CA658658382.
Genomic context (GRCh38, chr16:2,109,921, plus strand): 5'-TGGGTGGTAAATGGCTCGGAGGTCTCCCAGCTCAGCCCCTCCTCCAAGGACCAAGTGTAT[AC>A]GACACCACTGCCACCAGCCAGCTCGGCACTGAGGGTGACGCTTGTGTTGACGGCAGCTGG-3'